The following is an entry in ClinVar:

NM_000222.3(KIT):c.2628T>G (p.Asp876Glu)

Gene: KIT (KIT proto-oncogene, receptor tyrosine kinase; plus strand). Cytogenetic location: 4q12.
Variant type: single nucleotide variant.
Coding change: c.2628T>G on transcript NM_000222.3 (MANE Select); coding-DNA position 2628, T replaced by G.
Protein change: p.Asp876Glu; replaces aspartic acid 876 with glutamic acid.
Molecular consequence: missense variant.
Genome position (GRCh38, 1-based): chr4:54,736,752, T>G. VCF-style: chr4-54736752-T-G. GRCh37 (hg19) VCF-style: chr4-55602918-T-G.
Other names: c.2616T>G, p.Asp872Glu (NM_001093772.2, NM_001385292.1); c.2631T>G, p.Asp877Glu (NM_001385284.1); c.2625T>G, p.Asp875Glu (NM_001385285.1); c.2613T>G, p.Asp871Glu (NM_001385286.1); c.2619T>G, p.Asp873Glu (NM_001385288.1); c.2628T>G, p.Asp876Glu (NM_001385290.1); short protein forms D876E, D872E, D871E, D873E, D875E, D877E.
Identifiers: ClinVar variation 528609 (VCV000528609.15), dbSNP rs778078182, ClinGen allele CA2923817.

ClinVar aggregate classification (germline): Uncertain significance. Review status: criteria provided, multiple submitters, no conflicts (2 of 4 stars). 3 submissions from 3 submitters: Uncertain significance (3). Last evaluated 2025-01-25.

Conditions:
Hereditary cancer-predisposing syndrome. Also called: Tumor predisposition; Hereditary neoplastic syndrome; Hereditary Cancer Syndrome; Neoplastic Syndromes, Hereditary. Identifiers: Orphanet 140162, MedGen C0027672, MeSH D009386, MONDO:0015356.
Gastrointestinal stromal tumor. Also called: Gastrointestinal stroma tumor; Gastrointestinal stromal tumor, somatic. Identifiers: Orphanet 44890, MedGen C0238198, MeSH D046152, MONDO:0011719, OMIM 606764, HP:0100723.

Allele frequency attached by ClinVar (database versions not stated): gnomAD exomes below 0.00001; TOPMed below 0.00001; ExAC 0.00001.
gnomAD v4.1: 1 of 1,614,134 alleles (0.000062%); highest among the groups gnomAD compares: Non-Finnish European, 0.000085%; no homozygotes.

Submissions (3):

Ambry Genetics
Classification: Uncertain significance for Hereditary cancer-predisposing syndrome. Last evaluated: 2025-01-25. Review status: criteria provided, single submitter. Criteria: Ambry Variant Classification Scheme 2023. Collection method: clinical testing. Allele origin: germline.
Comment: The p.D876E variant (also known as c.2628T>G), located in coding exon 19 of the KIT gene, results from a T to G substitution at nucleotide position 2628. The aspartic acid at codon 876 is replaced by glutamic acid, an amino acid with highly similar properties. This amino acid position is conserved. In addition, the in silico prediction for this alteration is inconclusive. Since supporting evidence is limited at this time, the clinical significance of this alteration remains unclear.

Labcorp Genetics (formerly Invitae), Labcorp
Classification: Uncertain significance for Gastrointestinal stromal tumor. Last evaluated: 2023-11-09. Review status: criteria provided, single submitter. Criteria: Invitae Variant Classification Sherloc (09022015). Collection method: clinical testing. Allele origin: germline.
Comment: This sequence change replaces aspartic acid, which is acidic and polar, with glutamic acid, which is acidic and polar, at codon 876 of the KIT protein (p.Asp876Glu). This variant is present in population databases (rs778078182, gnomAD 0.0009%). This variant has not been reported in the literature in individuals affected with KIT-related conditions. ClinVar contains an entry for this variant (Variation ID: 528609). An algorithm developed to predict the effect of missense changes on protein structure and function (PolyPhen-2) suggests that this variant is likely to be disruptive. In summary, the available evidence is currently insufficient to determine the role of this variant in disease. Therefore, it has been classified as a Variant of Uncertain Significance.

Baylor Genetics
Classification: Uncertain significance for Gastrointestinal stromal tumor. Last evaluated: 2023-07-21. Review status: criteria provided, single submitter. Criteria: ACMG Guidelines, 2015. Collection method: clinical testing. Allele origin: unknown.